The following is an entry in ClinVar:

ClinVar aggregate classification (germline): Likely pathogenic (1 of 4 stars; one submission).

Submission:

GeneDx
Classification: Likely pathogenic. Last evaluated: 2024-10-17. Review status: criteria provided, single submitter. Criteria: GeneDx Variant Classification Process June 2021. Collection method: clinical testing. Allele origin: germline. Affected: yes.
Comment: Not observed at significant frequency in large population cohorts (gnomAD); In-frame deletion of 1 amino acid(s) in a non-repeat region; In silico analysis supports a deleterious effect on protein structure/function; Has not been previously published as pathogenic or benign to our knowledge

NM_021120.4(DLG3):c.2095_2097del (p.Asp699del)

Gene: DLG3 (discs large MAGUK scaffold protein 3; plus strand). Cytogenetic location: Xq13.1.
Variant type: Deletion.
Coding change: c.2095_2097del on transcript NM_021120.4 (MANE Select); coding-DNA positions 2095 to 2097, 3 bases deleted (GAT; older notation c.2095_2097delGAT).
Protein change: p.Asp699del; deletes aspartic acid 699.
Molecular consequence: inframe deletion.
Genome position (GRCh38, 1-based): chrX:70,499,999-70,500,001, GAT deleted; deleting any 3 consecutive bases within chrX:70,499,997-70,500,001 gives the same sequence; the c. name uses the placement nearest the transcript's 3' end. VCF-style (leftmost placement, unchanged base first): chrX-70499996-AATG-A. GRCh37 (hg19) VCF-style: chrX-69719846-AATG-A.
Other names: c.742_744del, p.Asp248del (NM_001166278.2); c.1180_1182del, p.Asp394del (NM_020730.3); short protein forms D394del, D699del, D248del.
Identifiers: ClinVar variation 3781029 (VCV003781029.1).
Genomic context (GRCh38, chrX:70,499,996, plus strand): 5'-TCCCGAGAACAAATGGAGAAAGATATTCAGGACAACAAGTTCATCGAGGCGGGCCAATTT[AATG>A]ATAACCTCTATGGGACCAGCATCCAGTCAGTGCGGGCAGTTGCAGAGAGGGTAAGTGTAC-3'